The following is an entry in ClinVar:

NM_001042492.3(NF1):c.8138G>C (p.Arg2713Pro)

Gene: NF1 (neurofibromin 1; plus strand). Cytogenetic location: 17q11.2.
Variant type: single nucleotide variant.
Coding change: c.8138G>C on transcript NM_001042492.3 (MANE Select); coding-DNA position 8138, G replaced by C.
Protein change: p.Arg2713Pro; replaces arginine 2713 with proline.
Molecular consequence: missense variant.
Genome position (GRCh38, 1-based): chr17:31,358,993, G>C. VCF-style: chr17-31358993-G-C. GRCh37 (hg19) VCF-style: chr17-29686011-G-C.
Other names: c.8075G>C, p.Arg2692Pro (NM_000267.4); short protein forms R2692P, R2713P.
Identifiers: ClinVar variation 5025569 (VCV005025569.1).
Genomic context (GRCh38, chr17:31,358,993, plus strand): 5'-TTGCTTGTTATAAGAGTAAAATTTGATTTGTTGCAGGTTTTGGTTTTAATGGCTTGTGGC[G>C]GTTTGCAGGACCGTTTTCAAAGGTAAGAAAATATATTTTTCTCTAACTTTTGGCAAAATG-3'
Protein context (NP_001035957.1, residues 2703-2723): LQSFGFNGLW[Arg2713Pro]FAGPFSKQTQ

ClinVar aggregate classification (germline): Uncertain significance (1 of 4 stars; one submission).

Conditions:
Cardiovascular phenotype. Identifiers: MedGen CN230736.
Hereditary cancer-predisposing syndrome. Also called: Neoplastic Syndromes, Hereditary; Tumor predisposition; Hereditary neoplastic syndrome; Hereditary Cancer Syndrome. Identifiers: Orphanet 140162, MedGen C0027672, MeSH D009386, MONDO:0015356.

Submission:

Ambry Genetics
Classification: Uncertain significance for Cardiovascular phenotype; Hereditary cancer-predisposing syndrome. Last evaluated: 2026-07-15. Review status: criteria provided, single submitter. Criteria: Ambry Variant Classification Scheme 2023. Collection method: clinical testing. Allele origin: germline.
Comment: The p.R2692P variant (also known as c.8075G>C), located in coding exon 55 of the NF1 gene, results from a G to C substitution at nucleotide position 8075. The arginine at codon 2692 is replaced by proline, an amino acid with dissimilar properties. This amino acid position is conserved. In addition, the in silico prediction for this alteration is inconclusive. Based on the available evidence, the clinical significance of this variant remains unclear.